The following is an entry in ClinVar:

ClinVar aggregate classification (germline): Uncertain significance (1 of 4 stars; one submission).

Conditions:
Charcot-Marie-Tooth disease axonal type 2V. Also called: CHARCOT-MARIE-TOOTH NEUROPATHY, TYPE 2V; CHARCOT-MARIE-TOOTH DISEASE, AXONAL, AUTOSOMAL DOMINANT, TYPE 2V. Identifiers: Orphanet 447964, MedGen C5569050, MONDO:0014665, OMIM 616491.
Mucopolysaccharidosis, MPS-III-B (MPS3B). Also called: N-ACETYL-ALPHA-D-GLUCOSAMINIDASE DEFICIENCY; NAGLU DEFICIENCY; SANFILIPPO SYNDROME B; MPS III B; Mucopolysaccharidosis type IIIB (Sanfilippo B); MUCOPOLYSACCHARIDOSIS, TYPE IIIB. Identifiers: Orphanet 79270, MedGen C0086648, MONDO:0009656, OMIM 252920.

Submission:

Labcorp Genetics (formerly Invitae), Labcorp
Classification: Uncertain significance for Charcot-Marie-Tooth disease axonal type 2V; Mucopolysaccharidosis, MPS-III-B. Last evaluated: 2024-05-22. Review status: criteria provided, single submitter. Criteria: Invitae Variant Classification Sherloc (09022015). Collection method: clinical testing. Allele origin: germline.
Comment: This sequence change replaces valine, which is neutral and non-polar, with methionine, which is neutral and non-polar, at codon 32 of the NAGLU protein (p.Val32Met). This variant is not present in population databases (gnomAD no frequency). This variant has not been reported in the literature in individuals affected with NAGLU-related conditions. Advanced modeling of protein sequence and biophysical properties (such as structural, functional, and spatial information, amino acid conservation, physicochemical variation, residue mobility, and thermodynamic stability) has been performed at Invitae for this missense variant, however the output from this modeling did not meet the statistical confidence thresholds required to predict the impact of this variant on NAGLU protein function. In summary, the available evidence is currently insufficient to determine the role of this variant in disease. Therefore, it has been classified as a Variant of Uncertain Significance.

NM_000263.4(NAGLU):c.94G>A (p.Val32Met)

Genes: NAGLU (N-acetyl-alpha-glucosaminidase; plus strand), LOC130060903 (ATAC-STARR-seq lymphoblastoid silent region 8533; plus strand). Cytogenetic location: 17q21.2.
Variant type: single nucleotide variant.
Coding change: c.94G>A on transcript NM_000263.4 (MANE Select); coding-DNA position 94, G replaced by A.
Protein change: p.Val32Met; replaces valine 32 with methionine.
Molecular consequence: missense variant.
Genome position (GRCh38, 1-based): chr17:42,536,366, G>A. VCF-style: chr17-42536366-G-A. GRCh37 (hg19) VCF-style: chr17-40688384-G-A.
Other names: short protein forms V32M.
Identifiers: ClinVar variation 3758832 (VCV003758832.2).
Genomic context (GRCh38, chr17:42,536,366, plus strand): 5'-GTCCTTCTCCTGGCCGGGGCCGGGGGCGCGGCAGGCGACGAGGCCCGGGAGGCGGCGGCC[G>A]TGCGGGCGCTCGTGGCCCGGCTGCTGGGGCCAGGCCCCGCGGCCGACTTCTCCGTGTCGG-3'
Protein context (NP_000254.2, residues 22-42): AGDEAREAAA[Val32Met]RALVARLLGP